The following is an entry in ClinVar:

ClinVar aggregate classification (germline): Pathogenic (1 of 4 stars; one submission).

Submission:

Labcorp Genetics (formerly Invitae), Labcorp
Classification: Pathogenic. Last evaluated: 2023-02-08. Review status: criteria provided, single submitter. Criteria: Invitae Variant Classification Sherloc (09022015). Collection method: clinical testing. Allele origin: germline.
Comment: For these reasons, this variant has been classified as Pathogenic. This variant has not been reported in the literature in individuals affected with EYS-related conditions. This sequence change creates a premature translational stop signal (p.Ser2096Cysfs*33) in the EYS gene. It is expected to result in an absent or disrupted protein product. Loss-of-function variants in EYS are known to be pathogenic (PMID: 18836446, 20333770). This variant is not present in population databases (gnomAD no frequency).

Literature cited by the submitters: PubMed 18836446; PubMed 20333770.

NM_001142800.2(EYS):c.6287_6288del (p.Ser2096fs)

Gene: EYS (EGF-like photoreceptor maintenance factor; minus strand). Cytogenetic location: 6q12.
Variant type: Microsatellite.
Coding change: c.6287_6288del on transcript NM_001142800.2 (MANE Select); coding-DNA positions 6287 to 6288, 2 bases deleted (CT; older notation c.6287_6288delCT).
Protein change: p.Ser2096fs; shifts the reading frame from serine 2096.
Molecular consequence: frameshift variant.
Genome position (GRCh38, 1-based): chr6:64,230,728-64,230,729, AG deleted on the plus strand (CT on the coding strand, the reverse complement: EYS is on the minus strand); deleting any 2 consecutive bases within chr6:64,230,728-64,230,731 gives the same sequence; the c. name uses the placement nearest the transcript's 3' end. VCF-style (leftmost placement, unchanged base first): chr6-64230727-CAG-C. GRCh37 (hg19) VCF-style: chr6-64940620-CAG-C.
Other names: c.6287_6288del, p.Ser2096fs (NM_001292009.2); short protein forms S2096fs.
Identifiers: ClinVar variation 1360743 (VCV001360743.7), dbSNP rs2150338009, ClinGen allele CA2580617280.
Genomic context (GRCh38, chr6:64,230,727, plus strand): 5'-TGGCATGGCATGTGCCTCCATTGTGGCATACATCCTGCTGGCACACAGAGGGTGCTGCAA[CAG>C]AGGGGCTGACAGAAGTCCACATGGTATCAACCCCTTGTGTCACATCAGAAGCATCAACAA-3'